The following is an entry in ClinVar:

NM_002397.5(MEF2C):c.129T>C (p.Ile43=)

Gene: MEF2C (myocyte enhancer factor 2C; minus strand). Cytogenetic location: 5q14.3.
Variant type: single nucleotide variant.
Coding change: c.129T>C on transcript NM_002397.5 (MANE Select); coding-DNA position 129, T replaced by C.
Protein change: p.Ile43=; no amino-acid change (isoleucine 43 retained).
Molecular consequence: synonymous variant.
Genome position (GRCh38, 1-based): chr5:88,804,727, A>G on the plus strand (T>C on the coding strand, the complement: MEF2C is on the minus strand). VCF-style: chr5-88804727-A-G. GRCh37 (hg19) VCF-style: chr5-88100544-A-G.
Other names: c.129T>C, p.Ile43= (NM_001131005.2, NM_001193347.1, NM_001193348.1 and 29 more transcripts).
Identifiers: ClinVar variation 508348 (VCV000508348.1), dbSNP rs1323101986, ClinGen allele CA445369518.

ClinVar aggregate classification (germline): Likely benign (1 of 4 stars; one submission).

Allele frequency attached by ClinVar (database versions not stated): gnomAD exomes below 0.00001; TOPMed below 0.00001.
gnomAD v4.1: 1 of 1,614,146 alleles (0.000062%); highest among the groups gnomAD compares: African/African-American, 0.0013%; no homozygotes.

Submission:

GeneDx
Classification: Likely benign. Last evaluated: 2017-03-22. Review status: criteria provided, single submitter. Criteria: GeneDx Variant Classification (06012015). Collection method: clinical testing. Allele origin: germline. Affected: yes.
Comment: This variant is considered likely benign or benign based on one or more of the following criteria: it is a conservative change, it occurs at a poorly conserved position in the protein, it is predicted to be benign by multiple in silico algorithms, and/or has population frequency not consistent with disease.